The following is an entry in ClinVar:

ClinVar aggregate classification (germline): Uncertain significance. Review status: criteria provided, multiple submitters, no conflicts (2 of 4 stars). 2 submissions from 2 submitters: Uncertain significance (2). Last evaluated 2025-05-15.

Conditions:
Inborn genetic diseases. Identifiers: MedGen C0950123, MeSH D030342.

Allele frequency attached by ClinVar (database versions not stated): TOPMed below 0.00001; gnomAD exomes 0.00001.
gnomAD v4.1: 8 of 1,613,506 alleles (0.0005%); highest among the groups gnomAD compares: South Asian, 0.0011%; no homozygotes.

Submissions (2):

Ambry Genetics
Classification: Uncertain significance for Inborn genetic diseases. Last evaluated: 2025-05-15. Review status: criteria provided, single submitter. Criteria: Ambry Variant Classification Scheme 2023. Collection method: clinical testing. Allele origin: germline.
Comment: The p.N1498S variant (also known as c.4493A>G), located in coding exon 30 of the ANKRD26 gene, results from an A to G substitution at nucleotide position 4493. The asparagine at codon 1498 is replaced by serine, an amino acid with highly similar properties. This amino acid position is conserved. In addition, this alteration is predicted to be tolerated by in silico analysis. Based on the available evidence, the clinical significance of this variant remains unclear.

Labcorp Genetics (formerly Invitae), Labcorp
Classification: Uncertain significance. Last evaluated: 2023-12-20. Review status: criteria provided, single submitter. Criteria: Invitae Variant Classification Sherloc (09022015). Collection method: clinical testing. Allele origin: germline.
Comment: This sequence change replaces asparagine, which is neutral and polar, with serine, which is neutral and polar, at codon 1498 of the ANKRD26 protein (p.Asn1498Ser). This variant is present in population databases (no rsID available, gnomAD 0.01%). This variant has not been reported in the literature in individuals affected with ANKRD26-related conditions. An algorithm developed to predict the effect of missense changes on protein structure and function (PolyPhen-2) suggests that this variant is likely to be disruptive. In summary, the available evidence is currently insufficient to determine the role of this variant in disease. Therefore, it has been classified as a Variant of Uncertain Significance.

NM_014915.3(ANKRD26):c.4493A>G (p.Asn1498Ser)

Gene: ANKRD26 (ankyrin repeat domain 26; minus strand). Cytogenetic location: 10p12.1.
Variant type: single nucleotide variant.
Coding change: c.4493A>G on transcript NM_014915.3 (MANE Select); coding-DNA position 4493, A replaced by G.
Protein change: p.Asn1498Ser; replaces asparagine 1498 with serine.
Molecular consequence: missense variant.
Genome position (GRCh38, 1-based): chr10:27,017,515, T>C on the plus strand (A>G on the coding strand, the complement: ANKRD26 is on the minus strand). VCF-style: chr10-27017515-T-C. GRCh37 (hg19) VCF-style: chr10-27306444-T-C.
Other names: c.4490A>G, p.Asn1497Ser (NM_001256053.2); short protein forms N1497S, N1498S.
Identifiers: ClinVar variation 2898985 (VCV002898985.4), dbSNP rs1389965955, ClinGen allele CA376357261.